The following is an entry in ClinVar:

NM_001042413.2(GLIS3):c.*2787G>A

Gene: GLIS3 (GLIS family zinc finger 3; minus strand). Cytogenetic location: 9p24.2.
Variant type: single nucleotide variant.
Coding change: c.*2787G>A on transcript NM_001042413.2 (MANE Select); 2787 bases downstream of the stop codon, G replaced by A.
Molecular consequence: 3 prime UTR variant.
Genome position (GRCh38, 1-based): chr9:3,825,485, C>T on the plus strand (G>A on the coding strand, the complement: GLIS3 is on the minus strand). VCF-style: chr9-3825485-C-T. GRCh37 (hg19) VCF-style: chr9-3825485-C-T.
Other names: c.*2787G>A (NM_152629.4).
Identifiers: ClinVar variation 914195 (VCV000914195.4), dbSNP rs187613528, ClinGen allele CA188254955.

ClinVar aggregate classification (germline): Likely benign (1 of 4 stars; one submission).

Conditions:
Neonatal diabetes mellitus with congenital hypothyroidism. Also called: NDH SYNDROME. Identifiers: Orphanet 79118, MedGen C1857775, MONDO:0012436, OMIM 610199.

Allele frequency attached by ClinVar (database versions not stated): TOPMed 0.00012; 1000 Genomes Project 30x 0.00078; 1000 Genomes Project 0.00080; gnomAD 0.00140 and 0.00141.

Submission:

Illumina Laboratory Services, Illumina
Classification: Likely benign for Neonatal diabetes mellitus with congenital hypothyroidism. Last evaluated: 2018-01-13. Review status: criteria provided, single submitter. Criteria: ICSL Variant Classification Criteria 13 December 2019. Collection method: clinical testing. Allele origin: germline.
Comment: This variant was observed in the ICSL laboratory as part of a predisposition screen in an ostensibly healthy population. It had not been previously curated by ICSL or reported in the Human Gene Mutation Database (HGMD: prior to June 1st, 2018), and was therefore a candidate for classification through an automated scoring system. Utilizing variant allele frequency, disease prevalence and penetrance estimates, and inheritance mode, an automated score was calculated to assess if this variant is too frequent to cause the disease. Based on the score and internal cut-off values, a variant classified as likely benign is not then subjected to further curation. The score for this variant resulted in a classification of likely benign for this disease.